The following is an entry in ClinVar:

NM_001378183.1(PIEZO2):c.7186G>T (p.Glu2396Ter)

Gene: PIEZO2 (piezo type mechanosensitive ion channel component 2; minus strand). Cytogenetic location: 18p11.22.
Variant type: single nucleotide variant.
Coding change: c.7186G>T on transcript NM_001378183.1 (MANE Select); coding-DNA position 7186, G replaced by T.
Protein change: p.Glu2396Ter; replaces glutamic acid 2396 with a stop codon.
Molecular consequence: nonsense.
Genome position (GRCh38, 1-based): chr18:10,696,078, C>A on the plus strand (G>T on the coding strand, the complement: PIEZO2 is on the minus strand). VCF-style: chr18-10696078-C-A. GRCh37 (hg19) VCF-style: chr18-10696076-C-A.
Other names: c.6922G>T, p.Glu2308Ter (NM_001410871.1); c.6847G>T, p.Glu2283Ter (NM_022068.4); short protein forms E2283*, E2308*, E2396*.
Identifiers: ClinVar variation 2444167 (VCV002444167.1), dbSNP rs2035067825, ClinGen allele CA401917481.

ClinVar aggregate classification (germline): Pathogenic (1 of 4 stars; one submission).

Conditions:
Arthrogryposis, distal, with impaired proprioception and touch (DAIPT). Identifiers: MedGen C4310692, MONDO:0014941, OMIM 617146.

Submission:

3billion
Classification: Pathogenic for Arthrogryposis, distal, with impaired proprioception and touch. Last evaluated: 2023-02-23. Review status: criteria provided, single submitter. Criteria: ACMG Guidelines, 2015. Collection method: clinical testing. Allele origin: unknown. Affected: yes.
Comment: The variant is not observed in the gnomAD v2.1.1 dataset. This homozygous variant was predicted to result in a loss or disruption of normal protein function through nonsense-mediated decay (NMD) or protein truncation. Multiple pathogenic variants are reported downstream of the variant. Therefore, this variant is classified as Pathogenic according to the recommendation of ACMG/AMP guideline.